The following is an entry in ClinVar:

NM_014363.6(SACS):c.10175A>G (p.Asn3392Ser)

Gene: SACS (sacsin molecular chaperone; minus strand). Cytogenetic location: 13q12.12.
Variant type: single nucleotide variant.
Coding change: c.10175A>G on transcript NM_014363.6 (MANE Select); coding-DNA position 10175, A replaced by G.
Protein change: p.Asn3392Ser; replaces asparagine 3392 with serine.
Molecular consequence: missense variant.
Genome position (GRCh38, 1-based): chr13:23,333,701, T>C on the plus strand (A>G on the coding strand, the complement: SACS is on the minus strand). VCF-style: chr13-23333701-T-C. GRCh37 (hg19) VCF-style: chr13-23907840-T-C.
Other names: c.9734A>G, p.Asn3245Ser (NM_001278055.2); short protein forms N3392S, N3245S.
Identifiers: ClinVar variation 1474962 (VCV001474962.3), dbSNP rs746316505, ClinGen allele CA6910490.

ClinVar aggregate classification (germline): Uncertain significance (1 of 4 stars; one submission).

Conditions:
Spastic paraplegia. Identifiers: MedGen C0037772, HP:0001258.

Allele frequency attached by ClinVar (database versions not stated): gnomAD exomes below 0.00001; TOPMed below 0.00001; ExAC 0.00001.
gnomAD v4.1: 1 of 1,613,820 alleles (0.000062%); highest among the groups gnomAD compares: Admixed American, 0.0017%; no homozygotes.

Submission:

Labcorp Genetics (formerly Invitae), Labcorp
Classification: Uncertain significance for Spastic paraplegia. Last evaluated: 2022-07-06. Review status: criteria provided, single submitter. Criteria: Invitae Variant Classification Sherloc (09022015). Collection method: clinical testing. Allele origin: germline.
Comment: This sequence change replaces asparagine, which is neutral and polar, with serine, which is neutral and polar, at codon 3392 of the SACS protein (p.Asn3392Ser). This variant is present in population databases (rs746316505, gnomAD 0.003%). This variant has not been reported in the literature in individuals affected with SACS-related conditions. ClinVar contains an entry for this variant (Variation ID: 1474962). Advanced modeling of protein sequence and biophysical properties (such as structural, functional, and spatial information, amino acid conservation, physicochemical variation, residue mobility, and thermodynamic stability) performed at Invitae indicates that this missense variant is not expected to disrupt SACS protein function. Algorithms developed to predict the effect of sequence changes on RNA splicing suggest that this variant may create or strengthen a splice site. In summary, the available evidence is currently insufficient to determine the role of this variant in disease. Therefore, it has been classified as a Variant of Uncertain Significance.